The following is an entry in ClinVar:

ClinVar aggregate classification (germline): Uncertain significance (1 of 4 stars; one submission).

Submission:

Ambry Genetics
Classification: Uncertain significance. Last evaluated: 2021-11-16. Review status: criteria provided, single submitter. Criteria: Ambry Variant Classification Scheme 2023. Collection method: clinical testing. Allele origin: germline.
Comment: The p.E26K variant (also known as c.76G>A), located in coding exon 1 of the EGLN2 gene, results from a G to A substitution at nucleotide position 76. The glutamic acid at codon 26 is replaced by lysine, an amino acid with similar properties. This amino acid position is conserved. In addition, this alteration is predicted to be tolerated by in silico analysis. Since supporting evidence is limited at this time, the clinical significance of this alteration remains unclear.

NM_080732.4(EGLN2):c.76G>A (p.Glu26Lys)

Genes: EGLN2 (egl-9 family hypoxia inducible factor 2; plus strand), RAB4B-EGLN2 (RAB4B-EGLN2 readthrough (NMD candidate); plus strand). Cytogenetic location: 19q13.2.
Variant type: single nucleotide variant.
Coding change: c.76G>A on transcript NM_080732.4 (MANE Select); coding-DNA position 76, G replaced by A.
Protein change: p.Glu26Lys; replaces glutamic acid 26 with lysine.
Molecular consequence: missense variant. On other transcripts: non-coding transcript variant (1).
Genome position (GRCh38, 1-based): chr19:40,800,648, G>A. VCF-style: chr19-40800648-G-A. GRCh37 (hg19) VCF-style: chr19-41306553-G-A.
Other names: c.76G>A, p.Glu26Lys (NM_053046.4); short protein forms E26K.
Identifiers: ClinVar variation 1760213 (VCV001760213.2), dbSNP rs2515992634, ClinGen allele CA405954516.